The following is an entry in ClinVar:

NM_000523.4(HOXD13):c.180_209dup (p.Ala71_Ser72insAlaAlaAlaAlaAlaAlaAlaAlaAlaAla)

Gene: HOXD13 (homeobox D13; plus strand). Cytogenetic location: 2q31.1.
Variant type: Duplication.
Coding change: c.180_209dup on transcript NM_000523.4 (MANE Select); coding-DNA positions 180 to 209, 30 bases duplicated (GGCAGCGGCGGCTGCGGCGGCGGCGGCGGC).
Protein change: p.Ala71_Ser72insAlaAlaAlaAlaAlaAlaAlaAlaAlaAla.
Molecular consequence: inframe insertion.
Genome position (GRCh38, 1-based): chr2:176,093,070-176,093,099, GGCAGCGGCGGCTGCGGCGGCGGCGGCGGC duplicated; duplicating any 30 consecutive bases within chr2:176,093,058-176,093,099 gives the same sequence; the c. name uses the placement nearest the transcript's 3' end. VCF-style (leftmost placement, unchanged base first): chr2-176093057-G-GGGCGGCGGCGGCGGCAGCGGCGGCTGCGGC. GRCh37 (hg19) VCF-style: chr2-176957785-G-GGGCGGCGGCGGCGGCAGCGGCGGCTGCGGC.
Identifiers: ClinVar variation 4888341 (VCV004888341.1).
Genomic context (GRCh38, chr2:176,093,057, plus strand): 5'-CGTCAGGCCAGTGCCGCGGCTTTCTCTCCGCGCCTGTGTTCGCCGGGACGCATTCGGGGC[G>GGGCGGCGGCGGCGGCAGCGGCGGCTGCGGC]GGCGGCGGCGGCGGCAGCGGCGGCTGCGGCGGCGGCGGCGGCAGCCTCCGGCTTTGCGTA-3'

ClinVar aggregate classification (germline): Pathogenic (1 of 4 stars; one submission).

Conditions:
Brachydactyly type D. Also called: STUB THUMB. Identifiers: MedGen C0220664, MONDO:0007222, OMIM 113200, HP:0005627.
Syndactyly type 5. Also called: SYNDACTYLY WITH METACARPAL AND METATARSAL FUSION; Syndactyly, type V; Syndactyly with associated metacarpal and metatarsal fusion. Identifiers: Orphanet 93406, MedGen C1861348, MONDO:0008516, OMIM 186300.
Brachydactyly type E1 (BDE1). Identifiers: Orphanet 93387, MedGen C1862102, MONDO:0007223, OMIM 113300.
Synpolydactyly type 1. Identifiers: Orphanet 295195, MedGen C5574994, MONDO:0008513, OMIM 186000.

Submission:

New York Genome Center
Classification: Pathogenic for Brachydactyly type D; Brachydactyly type E1; Syndactyly type 5; Synpolydactyly type 1. Last evaluated: 2023-09-08. Review status: criteria provided, single submitter. Criteria: NYGC Assertion Criteria 2020. Collection method: clinical testing. Allele origin: de novo. Affected: yes. Observed: 1 variant allele, 1 heterozygote.
Comment: The de novo c.180_290dup, p.(Ala62_Ala71dup; or p.Ala57[25]) variant identified in the HOXD13 gene is a duplication of 10 alanine residues within the polyalanine repeat of exon 1 (of 2), leading to a (+10A) repeat expansion in this region. This variant is absent from population databases (gnomADv2.1.1, gnomADv3.1.2,BRAVO-TOPMed, All of Us) suggesting it is not a common benign variant in the populations represented in those databases. This variant is absent from ClinVar, but other alanine repeat expansions have been reported there as Pathogenic (VarID:1451293, 1323061, 1919465). Repeat expansions greater than or equal to +7 within the polyalanine repeat region of HOXD13 are recurrent pathogenic variants reported in affected individuals in the literature [PMID:37427568, 34777468, 9207113,others] and the +10A repeat has been reported in at least one family with variable phenotypes including syndactyly of digits 3-4, and syndactyly of toes 3, 4, and 5with or without polydactyly [PMID:8614804]. Functional studies demonstrate that polyalanine repeat expansions between 7-14 repeats in this region lead to protein aggregation with reduced translocation into the nucleus and facilitate phase separation [PMID:32386547, 34777468], and specifically that the +10A repeat led to more condensation of the protein when compared to the +7A repeat, which correlates with the observation of larger repeat expansions leading to more severe phenotypes [PMID:32386547]. Given its presence de novo in this case, observation in affected individuals in the literature, its consistency with a known HOXD13 mechanism of disease, functional studies demonstrating an alteration to protein function, and its absence in population databases, the c.180_290dup,p.(Ala62_Ala71dup) variant identified in the HOXD13 gene is reported as Pathogenic.